The following is an entry in ClinVar:

ClinVar aggregate classification (germline): Uncertain significance. Review status: criteria provided, multiple submitters, no conflicts (2 of 4 stars). 2 submissions from 2 submitters: Uncertain significance (2). Last evaluated 2024-12-06.

Conditions:
Colorectal cancer, hereditary nonpolyposis, type 7. Identifiers: Orphanet 144, MedGen C1858380, MONDO:0013725, OMIM 614385.

Allele frequency attached by ClinVar (database versions not stated): TOPMed 0.00001; gnomAD 0.00002; gnomAD exomes below 0.00001.
gnomAD v4.1: 8 of 1,613,886 alleles (0.0005%); highest among the groups gnomAD compares: Admixed American, 0.0017%; no homozygotes.

Submissions (2):

Ambry Genetics
Classification: Uncertain significance. Last evaluated: 2024-12-06. Review status: criteria provided, single submitter. Criteria: Ambry Variant Classification Scheme 2023. Collection method: clinical testing. Allele origin: germline.

Labcorp Genetics (formerly Invitae), Labcorp
Classification: Uncertain significance for Colorectal cancer, hereditary nonpolyposis, type 7. Last evaluated: 2024-06-10. Review status: criteria provided, single submitter. Criteria: Invitae Variant Classification Sherloc (09022015). Collection method: clinical testing. Allele origin: germline.
Comment: This sequence change replaces aspartic acid, which is acidic and polar, with glutamic acid, which is acidic and polar, at codon 361 of the MLH3 protein (p.Asp361Glu). This variant is present in population databases (no rsID available, gnomAD 0.1%). This variant has not been reported in the literature in individuals affected with MLH3-related conditions. ClinVar contains an entry for this variant (Variation ID: 1787132). An algorithm developed to predict the effect of missense changes on protein structure and function (PolyPhen-2) suggests that this variant is likely to be disruptive. In summary, the available evidence is currently insufficient to determine the role of this variant in disease. Therefore, it has been classified as a Variant of Uncertain Significance.

NM_001040108.2(MLH3):c.1083T>G (p.Asp361Glu)

Gene: MLH3 (mutL homolog 3; minus strand). Cytogenetic location: 14q24.3.
Variant type: single nucleotide variant.
Coding change: c.1083T>G on transcript NM_001040108.2 (MANE Select); coding-DNA position 1083, T replaced by G.
Protein change: p.Asp361Glu; replaces aspartic acid 361 with glutamic acid.
Molecular consequence: missense variant.
Genome position (GRCh38, 1-based): chr14:75,048,573, A>C on the plus strand (T>G on the coding strand, the complement: MLH3 is on the minus strand). VCF-style: chr14-75048573-A-C. GRCh37 (hg19) VCF-style: chr14-75515276-A-C.
Other names: c.1083T>G, p.Asp361Glu (NM_014381.3); short protein forms D361E.
Identifiers: ClinVar variation 1787132 (VCV001787132.9), dbSNP rs1029642580, ClinGen allele CA263653322.